The following is an entry in ClinVar:

NM_005219.5(DIAPH1):c.1151G>A (p.Arg384His)

Gene: DIAPH1 (diaphanous related formin 1; minus strand). Cytogenetic location: 5q31.3.
Variant type: single nucleotide variant.
Coding change: c.1151G>A on transcript NM_005219.5 (MANE Select); coding-DNA position 1151, G replaced by A.
Protein change: p.Arg384His; replaces arginine 384 with histidine.
Molecular consequence: missense variant.
Genome position (GRCh38, 1-based): chr5:141,578,237, C>T on the plus strand (G>A on the coding strand, the complement: DIAPH1 is on the minus strand). VCF-style: chr5-141578237-C-T. GRCh37 (hg19) VCF-style: chr5-140957804-C-T.
Other names: c.1151G>A (NM_005219.4); c.1124G>A, p.Arg375His (NM_001079812.3); c.1151G>A, p.Arg384His (NM_001314007.2); short protein forms R384H, R375H.
Identifiers: ClinVar variation 1388325 (VCV001388325.10), dbSNP rs200927557, ClinGen allele CA3479376.

ClinVar aggregate classification (germline): Uncertain significance. Review status: criteria provided, multiple submitters, no conflicts (2 of 4 stars). 3 submissions from 3 submitters: Uncertain significance (3). Last evaluated 2024-11-21.

Conditions:
Inborn genetic diseases. Identifiers: MedGen C0950123, MeSH D030342.
Autosomal dominant nonsyndromic hearing loss 1. Also called: DEAFNESS, AUTOSOMAL DOMINANT 1, WITH OR WITHOUT THROMBOCYTOPENIA; KONIGSMARK SYNDROME. Identifiers: Orphanet 90635, MedGen C1852282, MONDO:0007424, OMIM 124900.
Progressive microcephaly-seizures-cortical blindness-developmental delay syndrome. Also called: Seizures, cortical blindness, and microcephaly syndrome. Identifiers: Orphanet 477814, MedGen C5567650, MONDO:0014714, OMIM 616632.

gnomAD v4.1: 77 of 1,613,106 alleles (0.0048%); highest among the groups gnomAD compares: Non-Finnish European, 0.0064%; no homozygotes.

Submissions (3):

Labcorp Genetics (formerly Invitae), Labcorp
Classification: Uncertain significance for Progressive microcephaly-seizures-cortical blindness-developmental delay syndrome; Autosomal dominant nonsyndromic hearing loss 1. Last evaluated: 2024-11-21. Review status: criteria provided, single submitter. Criteria: Invitae Variant Classification Sherloc (09022015). Collection method: clinical testing. Allele origin: germline.
Comment: This sequence change replaces arginine, which is basic and polar, with histidine, which is basic and polar, at codon 384 of the DIAPH1 protein (p.Arg384His). This variant is present in population databases (rs200927557, gnomAD 0.003%). This variant has not been reported in the literature in individuals affected with DIAPH1-related conditions. ClinVar contains an entry for this variant (Variation ID: 1388325). Experimental studies and prediction algorithms are not available or were not evaluated, and the functional significance of this variant is currently unknown. In summary, the available evidence is currently insufficient to determine the role of this variant in disease. Therefore, it has been classified as a Variant of Uncertain Significance.

GeneDx
Classification: Uncertain significance. Last evaluated: 2024-07-24. Review status: criteria provided, single submitter. Criteria: GeneDx Variant Classification Process June 2021. Collection method: clinical testing. Allele origin: germline. Affected: yes.
Comment: In silico analysis supports that this missense variant has a deleterious effect on protein structure/function; Has not been previously published as pathogenic or benign to our knowledge

Ambry Genetics
Classification: Uncertain significance for Inborn genetic diseases. Last evaluated: 2023-04-10. Review status: criteria provided, single submitter. Criteria: Ambry Variant Classification Scheme 2023. Collection method: clinical testing. Allele origin: germline.